The following is an entry in ClinVar:

ClinVar aggregate classification (germline): Uncertain significance. Review status: criteria provided, multiple submitters, no conflicts (2 of 4 stars). 8 submissions from 8 submitters: Uncertain significance (8). Last evaluated 2025-12-08.

Conditions:
Hereditary cancer-predisposing syndrome. Also called: Neoplastic Syndromes, Hereditary; Tumor predisposition; Hereditary neoplastic syndrome; Hereditary Cancer Syndrome. Identifiers: Orphanet 140162, MedGen C0027672, MeSH D009386, MONDO:0015356.
Classic or attenuated familial adenomatous polyposis. Identifiers: MedGen CN372698, MONDO:0021057.
Familial adenomatous polyposis 1 (FAP1). Also called: POLYPOSIS, ADENOMATOUS INTESTINAL; FAMILIAL ADENOMATOUS POLYPOSIS 1, ATTENUATED. Identifiers: MedGen C2713442, MONDO:0021056, OMIM 175100. Disease mechanism: loss of function.
Gastric adenocarcinoma and proximal polyposis of the stomach (GAPPS). Also called: POLYPOSIS, GASTRIC; Polyposis, gastric, Dos Santos and de Magalhaes 1980; Gastric Adenocarcinoma and Proximal Polyposis of the Stomach (GAPPS). Identifiers: Orphanet 314022, MedGen C4749917, MONDO:0017790, OMIM 619182.

Allele frequency attached by ClinVar (database versions not stated): gnomAD exomes 0.00001; ExAC 0.00002; gnomAD 0.00002 and 0.00003; TOPMed 0.00002; 1000 Genomes Project 30x 0.00016; 1000 Genomes Project 0.00020.
gnomAD v4.1: 26 of 1,613,828 alleles (0.0016%); highest among the groups gnomAD compares: East Asian, 0.0022%; no homozygotes.

Submissions (8):

KCCC/NGS Laboratory, Kuwait Cancer Control Center
Classification: Uncertain significance for Gastric adenocarcinoma and proximal polyposis of the stomach. Last evaluated: 2025-12-08. Review status: criteria provided, single submitter. Criteria: ACMG Guidelines, 2015. Collection method: clinical testing. Allele origin: germline. Inheritance: Autosomal dominant inheritance. Affected: yes.
Comment: it has been classified as a Variant of Uncertain Significance. The diagnosis of hereditary cancer syndrome is not confirmed.

Labcorp Genetics (formerly Invitae), Labcorp
Classification: Uncertain significance for Familial adenomatous polyposis 1. Last evaluated: 2025-09-28. Review status: criteria provided, single submitter. Criteria: Invitae Variant Classification Sherloc (09022015). Collection method: clinical testing. Allele origin: germline.
Comment: This sequence change replaces arginine, which is basic and polar, with histidine, which is basic and polar, at codon 2549 of the APC protein (p.Arg2549His). This variant is present in population databases (rs199558585, gnomAD 0.006%). This variant has not been reported in the literature in individuals affected with APC-related conditions. ClinVar contains an entry for this variant (Variation ID: 827170). Invitae Evidence Modeling of protein sequence and biophysical properties (such as structural, functional, and spatial information, amino acid conservation, physicochemical variation, residue mobility, and thermodynamic stability) indicates that this missense variant is not expected to disrupt APC protein function with a negative predictive value of 95%. In summary, the available evidence is currently insufficient to determine the role of this variant in disease. Therefore, it has been classified as a Variant of Uncertain Significance.

Ambry Genetics
Classification: Uncertain significance for Hereditary cancer-predisposing syndrome. Last evaluated: 2025-08-09. Review status: criteria provided, single submitter. Criteria: Ambry Variant Classification Scheme 2023. Collection method: clinical testing. Allele origin: germline.
Comment: The p.R2549H variant (also known as c.7646G>A), located in coding exon 15 of the APC gene, results from a G to A substitution at nucleotide position 7646. The arginine at codon 2549 is replaced by histidine, an amino acid with highly similar properties. This amino acid position is highly conserved in available vertebrate species. In addition, in silico predictors for this gene do not accurately predict pathogenicity. Since supporting evidence is limited at this time, the clinical significance of this alteration remains unclear.

GeneDx
Classification: Uncertain significance. Last evaluated: 2025-06-04. Review status: criteria provided, single submitter. Criteria: GeneDx Variant Classification Process June 2021. Collection method: clinical testing. Allele origin: germline. Affected: yes.
Comment: Not observed at significant frequency in large population cohorts (gnomAD); In silico analysis suggests that this missense variant does not alter protein structure/function; Has not been previously published as pathogenic or benign to our knowledge; This variant is associated with the following publications: (PMID: 29338072, 29245953, 37306523)

St. Jude Molecular Pathology, St. Jude Children's Research Hospital
Classification: Uncertain significance for Familial adenomatous polyposis 1. Last evaluated: 2024-03-20. Review status: criteria provided, single submitter. Criteria: St. Jude Assertion Criteria 2020. Collection method: clinical testing. Allele origin: germline.

All of Us Research Program, National Institutes of Health
Classification: Uncertain significance for Classic or attenuated familial adenomatous polyposis. Last evaluated: 2023-12-18. Review status: criteria provided, single submitter. Criteria: ACMG Guidelines, 2015. Collection method: clinical testing. Allele origin: germline. Inheritance: Autosomal dominant inheritance. Observed: 1 variant allele, 1 heterozygote.
Comment: This missense variant replaces arginine with histidine at codon 2549 of the APC protein. Computational prediction is inconclusive regarding the impact of this variant on protein structure and function (internally defined REVEL score threshold 0.5 < inconclusive < 0.7, PMID: 27666373). Splice site prediction tools suggest that this variant may not impact RNA splicing. To our knowledge, functional studies have not been reported for this variant. This variant has not been reported in individuals affected with hereditary cancer in the literature. This variant has been identified in 2/250664 chromosomes in the general population by the Genome Aggregation Database (gnomAD). The available evidence is insufficient to determine the role of this variant in disease conclusively. Therefore, this variant is classified as a Variant of Uncertain Significance.

This study involves interpretation of variants in research participants for the purpose of population health screening. Participant phenotype was not available at the time of variant classification. Additional details can be found in publication PMID: 35346344, PMCID: PMC8962531

Color Diagnostics, LLC DBA Color Health
Classification: Uncertain significance for Hereditary cancer-predisposing syndrome. Last evaluated: 2023-10-31. Review status: criteria provided, single submitter. Criteria: ACMG Guidelines, 2015. Collection method: clinical testing. Allele origin: germline.
Comment: This missense variant replaces arginine with histidine at codon 2549 of the APC protein. Computational prediction suggests that this variant may not impact protein structure and function (internally defined REVEL score threshold <= 0.5, PMID: 27666373). To our knowledge, functional studies have not been reported for this variant. This variant has been reported in an individual affected with colorectal cancer (PMID: 29245953). This variant has been identified in 2/250664 chromosomes in the general population by the Genome Aggregation Database (gnomAD). The available evidence is insufficient to determine the role of this variant in disease conclusively. Therefore, this variant is classified as a Variant of Uncertain Significance.

Baylor Genetics
Classification: Uncertain significance for Familial adenomatous polyposis 1. Last evaluated: 2023-09-08. Review status: criteria provided, single submitter. Criteria: ACMG Guidelines, 2015. Collection method: clinical testing. Allele origin: unknown.

Literature cited by the submitters: PubMed 29245953 (cited by Color Diagnostics, LLC DBA Color Health).

NM_000038.6(APC):c.7646G>A (p.Arg2549His)

Gene: APC (APC regulator of Wnt signaling pathway; plus strand). Cytogenetic location: 5q22.2.
Variant type: single nucleotide variant.
Coding change: c.7646G>A on transcript NM_000038.6 (MANE Select); coding-DNA position 7646, G replaced by A.
Protein change: p.Arg2549His; replaces arginine 2549 with histidine.
Molecular consequence: missense variant.
Genome position (GRCh38, 1-based): chr5:112,843,240, G>A. VCF-style: chr5-112843240-G-A. GRCh37 (hg19) VCF-style: chr5-112178937-G-A.
Other names: c.7646G>A, p.Arg2549His (NM_001127510.3, NM_001354895.2); c.7592G>A, p.Arg2531His (NM_001127511.3); c.7700G>A, p.Arg2567His (NM_001354896.2); c.7676G>A, p.Arg2559His (NM_001354897.2); c.7571G>A, p.Arg2524His (NM_001354898.2); c.7562G>A, p.Arg2521His (NM_001354899.2); c.7523G>A, p.Arg2508His (NM_001354900.2); c.7469G>A, p.Arg2490His (NM_001354901.2); and 5 more; short protein forms R2423H, R2531H, R2389H, R2458H, R2521H, R2559H, R2266H, R2490H.
Identifiers: ClinVar variation 827170 (VCV000827170.26), dbSNP rs199558585, ClinGen allele CA048820.